The following is an entry in ClinVar:

ClinVar aggregate classification (germline): Uncertain significance (1 of 4 stars; one submission).

gnomAD v4.1: 1 of 1,614,142 alleles (0.000062%); highest among the groups gnomAD compares: Non-Finnish European, 0.000085%; no homozygotes.

Submission:

Labcorp Genetics (formerly Invitae), Labcorp
Classification: Uncertain significance. Last evaluated: 2024-02-26. Review status: criteria provided, single submitter. Criteria: Invitae Variant Classification Sherloc (09022015). Collection method: clinical testing. Allele origin: germline.
Comment: This sequence change creates a premature translational stop signal (p.Gln36*) in the TXN2 gene. It is expected to result in an absent or disrupted protein product. However, the current clinical and genetic evidence is not sufficient to establish whether loss-of-function variants in TXN2 cause disease. This variant is present in population databases (rs758960286, gnomAD 0.0009%). This variant has not been reported in the literature in individuals affected with TXN2-related conditions. In summary, the available evidence is currently insufficient to determine the role of this variant in disease. Therefore, it has been classified as a Variant of Uncertain Significance.

NM_012473.4(TXN2):c.106C>T (p.Gln36Ter)

Gene: TXN2 (thioredoxin 2; minus strand). Cytogenetic location: 22q12.3.
Variant type: single nucleotide variant.
Coding change: c.106C>T on transcript NM_012473.4 (MANE Select); coding-DNA position 106, C replaced by T.
Protein change: p.Gln36Ter; replaces glutamine 36 with a stop codon.
Molecular consequence: nonsense.
Genome position (GRCh38, 1-based): chr22:36,480,732, G>A on the plus strand (C>T on the coding strand, the complement: TXN2 is on the minus strand). VCF-style: chr22-36480732-G-A. GRCh37 (hg19) VCF-style: chr22-36876779-G-A.
Other names: short protein forms Q36*.
Identifiers: ClinVar variation 3676329 (VCV003676329.2).